The following is an entry in ClinVar:

ClinVar aggregate classification (germline): Benign/Likely benign. Review status: criteria provided, multiple submitters, no conflicts (2 of 4 stars). 4 submissions from 4 submitters: Benign (1); Likely benign (2). 1 of the submissions does not count toward it. Last evaluated 2026-03-30.

Conditions:
MHC class II deficiency. Also called: Bare lymphocyte syndrome 2; BLS, TYPE II. Identifiers: Orphanet 572, MedGen C5447452, MONDO:0008855.
CIITA-related disorder. Also called: CIITA-related condition.

Allele frequency attached by ClinVar (database versions not stated): gnomAD exomes 0.00008 and 0.00016; ExAC 0.00019; 1000 Genomes Project 0.00040; 1000 Genomes Project 30x 0.00047; gnomAD 0.00082 and 0.00091; TOPMed 0.00089; ESP Exome Variant Server 0.00115.

Submissions (4):

Women's Health and Genetics/Laboratory Corporation of America, LabCorp
Classification: Likely benign. Last evaluated: 2026-03-30. Review status: criteria provided, single submitter. Criteria: LabCorp Variant Classification Summary - May 2015. Collection method: clinical testing. Allele origin: germline.

Labcorp Genetics (formerly Invitae), Labcorp
Classification: Benign for MHC class II deficiency. Last evaluated: 2026-01-24. Review status: criteria provided, single submitter. Criteria: Invitae Variant Classification Sherloc (09022015). Collection method: clinical testing. Allele origin: germline.

Blueprint Genetics
Classification: Likely benign. Last evaluated: 2024-10-16. Review status: criteria provided, single submitter. Criteria: ACMG Guidelines, 2015. Collection method: clinical testing. Allele origin: germline.

PreventionGenetics, part of Exact Sciences
Classification: Likely benign for CIITA-related condition. Last evaluated: 2019-04-02. Review status: no assertion criteria provided. Collection method: clinical testing. Allele origin: germline. Not counted in ClinVar's aggregate classification.
Comment: This variant is classified as likely benign based on ACMG/AMP sequence variant interpretation guidelines (Richards et al. 2015 PMID: 25741868, with internal and published modifications).

NM_000246.4(CIITA):c.1491C>T (p.Ile497=)

Gene: CIITA (class II major histocompatibility complex transactivator; plus strand). Cytogenetic location: 16p13.13.
Variant type: single nucleotide variant.
Coding change: c.1491C>T on transcript NM_000246.4 (MANE Select); coding-DNA position 1491, C replaced by T.
Protein change: p.Ile497=; no amino-acid change (isoleucine 497 retained).
Molecular consequence: synonymous variant. On other transcripts: intron variant (1).
Genome position (GRCh38, 1-based): chr16:10,906,983, C>T. VCF-style: chr16-10906983-C-T. GRCh37 (hg19) VCF-style: chr16-11000840-C-T.
Other names: c.1494C>T, p.Ile498= (NM_001286402.1, NM_001379332.1); c.1347C>T, p.Ile449= (NM_001379330.1); c.1344C>T, p.Ile448= (NM_001379331.1); c.1491C>T, p.Ile497= (NM_001379333.1); c.1422C>T, p.Ile474= (NM_001379334.1); c.860-2000C>T (NM_001286403.2).
Identifiers: ClinVar variation 528796 (VCV000528796.16), dbSNP rs138250353, ClinGen allele CA7900147.
Genomic context (GRCh38, chr16:10,906,983, plus strand): 5'-CGTGGCGGCCGATGAGGTTTTCAGCCACATCTTGAAGAGACCTGACCGCGTTCTGCTCAT[C>T]CTAGACGGCTTCGAGGAGCTGGAAGCGCAAGATGGCTTCCTGCACAGCACGTGCGGACCG-3'
Protein context (NP_000237.2, residues 487-507): ILKRPDRVLL[Ile497=]LDGFEELEAQ